The following is an entry in ClinVar:

ClinVar aggregate classification (germline): Conflicting classifications of pathogenicity. Review status: criteria provided, conflicting classifications (1 of 4 stars). 5 submissions from 5 submitters: Uncertain significance (4); Likely benign (1). Last evaluated 2025-09-04.

Conditions:
COL11A2-related disorder. Also called: COL11A2-related condition; COL11A2-related disorders.
Hearing impairment. Also called: Impaired Hearing. Identifiers: MedGen C1384666, MONDO:0005365, HP:0000365.

Allele frequency attached by ClinVar (database versions not stated): gnomAD 0.00001; gnomAD exomes 0.00002; ExAC 0.00003.
gnomAD v4.1: 26 of 1,613,918 alleles (0.0016%); highest among the groups gnomAD compares: South Asian, 0.0066%; no homozygotes.

Submissions (5):

Labcorp Genetics (formerly Invitae), Labcorp
Classification: Likely benign. Last evaluated: 2025-09-04. Review status: criteria provided, single submitter. Criteria: Invitae Variant Classification Sherloc (09022015). Collection method: clinical testing. Allele origin: germline.

PreventionGenetics, part of Exact Sciences
Classification: Uncertain significance for COL11A2-related condition. Last evaluated: 2025-05-12. Review status: criteria provided, single submitter. Criteria: ACMG Guidelines, 2015. Collection method: clinical testing. Allele origin: germline.
Comment: The COL11A2 c.4481C>T variant is predicted to result in the amino acid substitution p.Pro1494Leu. To our knowledge, this variant has not been reported in the literature. This variant is reported in 0.0065% of alleles in individuals of South Asian descent in gnomAD. At this time, the clinical significance of this variant is uncertain due to the absence of conclusive functional and genetic evidence.

Department of Otolaryngology – Head & Neck Surgery, Cochlear Implant Center
Classification: Uncertain significance for Hearing impairment. Last evaluated: 2021-04-12. Review status: criteria provided, single submitter. Criteria: ClinGen HL ACMG Specifications v1. Collection method: clinical testing. Allele origin: germline. Affected: yes.
Comment: PM2_Supporting

Blueprint Genetics
Classification: Uncertain significance. Last evaluated: 2019-09-14. Review status: criteria provided, single submitter. Criteria: ACMG Guidelines, 2015. Collection method: clinical testing. Allele origin: germline.

GeneDx
Classification: Uncertain significance. Last evaluated: 2019-08-07. Review status: criteria provided, single submitter. Criteria: GeneDx Variant Classification Process June 2021. Collection method: clinical testing. Allele origin: germline. Affected: yes.
Comment: Has not been previously published as pathogenic or benign to our knowledge; In silico analysis, which includes protein predictors and evolutionary conservation, supports a deleterious effect

NM_080680.3(COL11A2):c.4481C>T (p.Pro1494Leu)

Gene: COL11A2 (collagen type XI alpha 2 chain; minus strand). Cytogenetic location: 6p21.32.
Variant type: single nucleotide variant.
Coding change: c.4481C>T on transcript NM_080680.3 (MANE Select); coding-DNA position 4481, C replaced by T.
Protein change: p.Pro1494Leu; replaces proline 1494 with leucine.
Molecular consequence: missense variant.
Genome position (GRCh38, 1-based): chr6:33,165,932, G>A on the plus strand (C>T on the coding strand, the complement: COL11A2 is on the minus strand). VCF-style: chr6-33165932-G-A. GRCh37 (hg19) VCF-style: chr6-33133709-G-A.
Other names: c.4160C>T, p.Pro1387Leu (NM_080679.3); c.4223C>T, p.Pro1408Leu (NM_080681.3); short protein forms P1387L, P1408L, P1494L.
Identifiers: ClinVar variation 1064952 (VCV001064952.14), dbSNP rs758796613, ClinGen allele CA3750076.